The following is an entry in ClinVar:

ClinVar aggregate classification (germline): Uncertain significance (1 of 4 stars; one submission).

Conditions:
Alstrom syndrome (ALMS). Identifiers: Orphanet 64, MedGen C0268425, MONDO:0008763, OMIM 203800.

Allele frequency attached by ClinVar (database versions not stated): gnomAD 0.00001; gnomAD exomes 0.00001; TOPMed 0.00001.
gnomAD v4.1: 14 of 1,613,916 alleles (0.00087%); highest among the groups gnomAD compares: African/African-American, 0.0013%; no homozygotes.

Submission:

Labcorp Genetics (formerly Invitae), Labcorp
Classification: Uncertain significance for Alstrom syndrome. Last evaluated: 2022-10-05. Review status: criteria provided, single submitter. Criteria: Invitae Variant Classification Sherloc (09022015). Collection method: clinical testing. Allele origin: germline.
Comment: This sequence change replaces proline, which is neutral and non-polar, with alanine, which is neutral and non-polar, at codon 1728 of the ALMS1 protein (p.Pro1728Ala). This variant is present in population databases (no rsID available, gnomAD 0.0009%). This variant has not been reported in the literature in individuals affected with ALMS1-related conditions. ClinVar contains an entry for this variant (Variation ID: 1390899). Experimental studies and prediction algorithms are not available or were not evaluated, and the functional significance of this variant is currently unknown. In summary, the available evidence is currently insufficient to determine the role of this variant in disease. Therefore, it has been classified as a Variant of Uncertain Significance.

NM_001378454.1(ALMS1):c.5179C>G (p.Pro1727Ala)

Gene: ALMS1 (ALMS1 centrosome and basal body associated protein; plus strand). Cytogenetic location: 2p13.1.
Variant type: single nucleotide variant.
Coding change: c.5179C>G on transcript NM_001378454.1 (MANE Select); coding-DNA position 5179, C replaced by G.
Protein change: p.Pro1727Ala; replaces proline 1727 with alanine.
Molecular consequence: missense variant.
Genome position (GRCh38, 1-based): chr2:73,451,706, C>G. VCF-style: chr2-73451706-C-G. GRCh37 (hg19) VCF-style: chr2-73678833-C-G.
Other names: c.5182C>G, p.Pro1728Ala (NM_015120.4); short protein forms P1728A, P1727A.
Identifiers: ClinVar variation 1390899 (VCV001390899.3), dbSNP rs935844541, ClinGen allele CA50396364.